The following is an entry in ClinVar:

ClinVar aggregate classification (germline): Uncertain significance. Review status: criteria provided, multiple submitters, no conflicts (2 of 4 stars). 2 submissions from 2 submitters: Uncertain significance (2). Last evaluated 2024-03-24.

Conditions:
Upshaw-Schulman syndrome (TTP). Also called: Congenital thrombotic thrombocytopenic purpura; THROMBOTIC THROMBOCYTOPENIC PURPURA, HEREDITARY. Identifiers: Orphanet 93583, MedGen C1268935, MONDO:0010122, OMIM 274150.

Allele frequency attached by ClinVar (database versions not stated): gnomAD 0.00001; gnomAD exomes 0.00002; ExAC 0.00007.

Submissions (2):

Fulgent Genetics
Classification: Uncertain significance for Upshaw-Schulman syndrome. Last evaluated: 2024-03-24. Review status: criteria provided, single submitter. Criteria: ACMG Guidelines, 2015. Collection method: clinical testing. Allele origin: germline.

Labcorp Genetics (formerly Invitae), Labcorp
Classification: Uncertain significance. Last evaluated: 2023-08-10. Review status: criteria provided, single submitter. Criteria: Invitae Variant Classification Sherloc (09022015). Collection method: clinical testing. Allele origin: germline.
Comment: Algorithms developed to predict the effect of missense changes on protein structure and function output the following: SIFT: "Not Available"; PolyPhen-2: "Benign"; Align-GVGD: "Not Available". The aspartic acid amino acid residue is found in multiple mammalian species, which suggests that this missense change does not adversely affect protein function. In summary, the available evidence is currently insufficient to determine the role of this variant in disease. Therefore, it has been classified as a Variant of Uncertain Significance. ClinVar contains an entry for this variant (Variation ID: 1919576). This variant has not been reported in the literature in individuals affected with ADAMTS13-related conditions. This variant is present in population databases (rs781834668, gnomAD 0.03%). This sequence change replaces asparagine, which is neutral and polar, with aspartic acid, which is acidic and polar, at codon 1330 of the ADAMTS13 protein (p.Asn1330Asp).

NM_139027.6(ADAMTS13):c.3820A>G (p.Asn1274Asp)

Gene: ADAMTS13 (ADAM metallopeptidase with thrombospondin type 1 motif 13; plus strand). Cytogenetic location: 9q34.2.
Variant type: single nucleotide variant.
Coding change: c.3820A>G on transcript NM_139027.6 (MANE Select); coding-DNA position 3820, A replaced by G.
Protein change: p.Asn1274Asp; replaces asparagine 1274 with aspartic acid.
Molecular consequence: missense variant.
Genome position (GRCh38, 1-based): chr9:133,458,005, A>G. VCF-style: chr9-133458005-A-G. GRCh37 (hg19) VCF-style: chr9-136323127-A-G.
Other names: c.3988A>G, p.Asn1330Asp (NM_139025.5); c.3727A>G, p.Asn1243Asp (NM_139026.6); short protein forms N1243D, N1274D, N1330D.
Identifiers: ClinVar variation 1919576 (VCV001919576.6), dbSNP rs781834668, ClinGen allele CA200946769.
Genomic context (GRCh38, chr9:133,458,005, plus strand): 5'-ATCGTGAGCCCCTCGCTGAGTCCAGCCACGAGTAATGCAGGGGGCTGCCGGCTCTTCATT[A>G]ATGTGGCTCCGCACGCACGGATTGCCATCCATGCCCTGGCCACCAACATGGGCGCTGGGA-3'
Protein context (NP_620596.2, residues 1264-1284): SNAGGCRLFI[Asn1274Asp]VAPHARIAIH